The following is an entry in ClinVar:

NM_020987.5(ANK3):c.9226A>G (p.Lys3076Glu)

Gene: ANK3 (ankyrin 3; minus strand). Cytogenetic location: 10q21.2.
Variant type: single nucleotide variant.
Coding change: c.9226A>G on transcript NM_020987.5 (MANE Select); coding-DNA position 9226, A replaced by G.
Protein change: p.Lys3076Glu; replaces lysine 3076 with glutamic acid.
Molecular consequence: missense variant. On other transcripts: intron variant (4).
Genome position (GRCh38, 1-based): chr10:60,071,655, T>C on the plus strand (A>G on the coding strand, the complement: ANK3 is on the minus strand). VCF-style: chr10-60071655-T-C. GRCh37 (hg19) VCF-style: chr10-61831413-T-C.
Other names: c.4388-3646A>G (NM_001204403.2); c.4409-3646A>G (NM_001204404.2); c.4406-3646A>G (NM_001320874.2); c.1808-3646A>G (NM_001149.4); short protein forms K3076E.
Identifiers: ClinVar variation 4070690 (VCV004070690.1).

ClinVar aggregate classification (germline): Uncertain significance (1 of 4 stars; one submission).

Submission:

GeneDx
Classification: Uncertain significance. Last evaluated: 2025-01-17. Review status: criteria provided, single submitter. Criteria: GeneDx Variant Classification Process June 2021. Collection method: clinical testing. Allele origin: germline. Affected: yes.
Comment: Not observed at significant frequency in large population cohorts (gnomAD); In silico analysis indicates that this missense variant does not alter protein structure/function; Has not been previously published as pathogenic or benign to our knowledge